The following is an entry in ClinVar:

ClinVar aggregate classification (germline): Benign/Likely benign. Review status: criteria provided, multiple submitters, no conflicts (2 of 4 stars). 4 submissions from 4 submitters: Benign (2); Likely benign (2). Last evaluated 2026-01-27.

Conditions:
Hypouricemia, renal, 2. Also called: HYPOURICEMIA, RENAL, 2, AUTOSOMAL DOMINANT; HYPOURICEMIA, RENAL, 2, AUTOSOMAL RECESSIVE. Identifiers: MedGen C2677549, MONDO:0012793, OMIM 612076.

Allele frequency attached by ClinVar (database versions not stated): 1000 Genomes Project 0.00020; 1000 Genomes Project 30x 0.00031; TOPMed 0.00062; gnomAD 0.00083 and 0.00086; gnomAD exomes 0.00095 and 0.00116; ESP Exome Variant Server 0.00100; ExAC 0.00122.
gnomAD v4.1: 1,550 of 1,614,032 alleles (0.096%); highest among the groups gnomAD compares: Non-Finnish European, 0.086%; 2 homozygotes.

Submissions (4):

Labcorp Genetics (formerly Invitae), Labcorp
Classification: Benign. Last evaluated: 2026-01-27. Review status: criteria provided, single submitter. Criteria: Invitae Variant Classification Sherloc (09022015). Collection method: clinical testing. Allele origin: germline.

Blueprint Genetics
Classification: Likely benign. Last evaluated: 2024-10-07. Review status: criteria provided, single submitter. Criteria: ACMG Guidelines, 2015. Collection method: clinical testing. Allele origin: germline.

Fulgent Genetics
Classification: Likely benign for Hypouricemia, renal, 2. Last evaluated: 2021-07-30. Review status: criteria provided, single submitter. Criteria: ACMG Guidelines, 2015. Collection method: clinical testing. Allele origin: unknown.

Illumina Laboratory Services, Illumina
Classification: Benign for Hypouricemia, renal, 2. Last evaluated: 2018-01-13. Review status: criteria provided, single submitter. Criteria: ICSL Variant Classification Criteria 13 December 2019. Collection method: clinical testing. Allele origin: germline.
Comment: This variant was observed in the ICSL laboratory as part of a predisposition screen in an ostensibly healthy population. It had not been previously curated by ICSL or reported in the Human Gene Mutation Database (HGMD: prior to June 1st, 2018), and was therefore a candidate for classification through an automated scoring system. Utilizing variant allele frequency, disease prevalence and penetrance estimates, and inheritance mode, an automated score was calculated to assess if this variant is too frequent to cause the disease. Based on the score and internal cut-off values, a variant classified as benign is not then subjected to further curation. The score for this variant resulted in a classification of benign for this disease.

NM_020041.3(SLC2A9):c.681+13C>T

Gene: SLC2A9 (solute carrier family 2 member 9; minus strand). Cytogenetic location: 4p16.1.
Variant type: single nucleotide variant.
Coding change: c.681+13C>T on transcript NM_020041.3 (MANE Select); 13 bases into the intron after coding-DNA position 681, C replaced by T.
Molecular consequence: intron variant.
Genome position (GRCh38, 1-based): chr4:9,980,579, G>A on the plus strand (C>T on the coding strand, the complement: SLC2A9 is on the minus strand). VCF-style: chr4-9980579-G-A. GRCh37 (hg19) VCF-style: chr4-9982203-G-A.
Other names: c.594+13C>T (NM_001001290.2).
Identifiers: ClinVar variation 350233 (VCV000350233.14), dbSNP rs202000076, ClinGen allele CA2857148.